The following is an entry in ClinVar:

ClinVar aggregate classification (germline): Uncertain significance (1 of 4 stars; one submission).

Submission:

GeneDx
Classification: Uncertain significance. Last evaluated: 2026-04-24. Review status: criteria provided, single submitter. Criteria: GeneDx Variant Classification Process June 2021. Collection method: clinical testing. Allele origin: germline.
Comment: Not observed at significant frequency in large population cohorts (gnomAD); In silico analysis suggests that this missense variant does not alter protein structure/function; Has not been previously published as pathogenic or benign to our knowledge

NM_001282116.2(RFX3):c.2186T>A (p.Ile729Asn)

Gene: RFX3 (regulatory factor X3; minus strand). Cytogenetic location: 9p24.2.
Variant type: single nucleotide variant.
Coding change: c.2186T>A on transcript NM_001282116.2 (MANE Select); coding-DNA position 2186, T replaced by A.
Protein change: p.Ile729Asn; replaces isoleucine 729 with asparagine.
Molecular consequence: missense variant.
Genome position (GRCh38, 1-based): chr9:3,225,106, A>T on the plus strand (T>A on the coding strand, the complement: RFX3 is on the minus strand). VCF-style: chr9-3225106-A-T. GRCh37 (hg19) VCF-style: chr9-3225106-A-T.
Other names: c.2249T>A, p.Ile750Asn (NM_001377999.1); c.2186T>A, p.Ile729Asn (NM_134428.3); short protein forms I729N, I750N.
Identifiers: ClinVar variation 5037635 (VCV005037635.1).